The following is an entry in ClinVar:

ClinVar aggregate classification (germline): Uncertain significance (1 of 4 stars; one submission).

gnomAD v4.1: 87 of 152,318 alleles (0.057%); highest among the groups gnomAD compares: African/African-American, 0.2%; no homozygotes.

Submission:

Greenwood Genetic Center Diagnostic Laboratories, Greenwood Genetic Center
Classification: Uncertain significance. Last evaluated: 2026-04-13. Review status: criteria provided, single submitter. Criteria: ACMG Guidelines, 2015. Collection method: clinical testing. Allele origin: germline.
Comment: PM2, BP4

NM_000126.4(ETFA):c.734-2420T>C

Gene: ETFA (electron transfer flavoprotein subunit alpha; minus strand). Cytogenetic location: 15q24.2.
Variant type: single nucleotide variant.
Coding change: c.734-2420T>C on transcript NM_000126.4 (MANE Select); 2420 bases into the intron before coding-DNA position 734, T replaced by C.
Molecular consequence: intron variant.
Genome position (GRCh38, 1-based): chr15:76,276,914, A>G on the plus strand (T>C on the coding strand, the complement: ETFA is on the minus strand). VCF-style: chr15-76276914-A-G. GRCh37 (hg19) VCF-style: chr15-76569255-A-G.
Other names: c.587-2420T>C (NM_001127716.2).
Identifiers: ClinVar variation 4891220 (VCV004891220.1).